The following is an entry in ClinVar:

NM_000264.5(PTCH1):c.909C>A (p.Asp303Glu)

Gene: PTCH1 (patched 1; minus strand). Cytogenetic location: 9q22.32.
Variant type: single nucleotide variant.
Coding change: c.909C>A on transcript NM_000264.5 (MANE Select); coding-DNA position 909, C replaced by A.
Protein change: p.Asp303Glu; replaces aspartic acid 303 with glutamic acid.
Molecular consequence: missense variant. On other transcripts: non-coding transcript variant (1).
Genome position (GRCh38, 1-based): chr9:95,480,426, G>T on the plus strand (C>A on the coding strand, the complement: PTCH1 is on the minus strand). VCF-style: chr9-95480426-G-T. GRCh37 (hg19) VCF-style: chr9-98242708-G-T.
Other names: c.711C>A, p.Asp237Glu (NM_001083602.3); c.906C>A, p.Asp302Glu (NM_001083603.3); c.456C>A, p.Asp152Glu (NM_001083604.3, NM_001083605.3, NM_001083606.3 and 1 more transcripts); c.909C>A, p.Asp303Glu (NM_001354918.2); short protein forms D152E, D237E, D302E, D303E.
Identifiers: ClinVar variation 4801806 (VCV004801806.1).

ClinVar aggregate classification (germline): Uncertain significance (1 of 4 stars; one submission).

Conditions:
Gorlin syndrome. Also called: Nevoid Basal Cell Carcinoma Syndrome; Basal cell nevus syndrome. Identifiers: Orphanet 377, MedGen C0004779, MONDO:0007187.

Submission:

Labcorp Genetics (formerly Invitae), Labcorp
Classification: Uncertain significance for Gorlin syndrome. Last evaluated: 2025-06-09. Review status: criteria provided, single submitter. Criteria: Invitae Variant Classification Sherloc (09022015). Collection method: clinical testing. Allele origin: germline.
Comment: This sequence change replaces aspartic acid, which is acidic and polar, with glutamic acid, which is acidic and polar, at codon 303 of the PTCH1 protein (p.Asp303Glu). This variant is not present in population databases (gnomAD no frequency). This variant has not been reported in the literature in individuals affected with PTCH1-related conditions. Invitae Evidence Modeling of protein sequence and biophysical properties (such as structural, functional, and spatial information, amino acid conservation, physicochemical variation, residue mobility, and thermodynamic stability) indicates that this missense variant is not expected to disrupt PTCH1 protein function with a negative predictive value of 95%. In summary, the available evidence is currently insufficient to determine the role of this variant in disease. Therefore, it has been classified as a Variant of Uncertain Significance.